The following is an entry in ClinVar:

ClinVar aggregate classification (germline): Uncertain significance (1 of 4 stars; one submission).

Conditions:
Naxos disease (NXD). Also called: KERATOSIS PALMOPLANTARIS WITH ARRHYTHMOGENIC CARDIOMYOPATHY; MAL DE NAXOS; CARDIOMYOPATHY, ARRHYTHMOGENIC RIGHT VENTRICULAR, WITH SKIN, HAIR, AND NAIL ABNORMALITIES; PALMOPLANTAR KERATODERMA WITH ARRHYTHMOGENIC RIGHT VENTRICULAR CARDIOMYOPATHY AND WOOLLY HAIR; WOOLLY HAIR, PALMOPLANTAR KERATODERMA, AND CARDIAC ABNORMALITIES. Identifiers: Orphanet 34217, MedGen C1832600, MONDO:0011017, OMIM 601214.
Arrhythmogenic right ventricular dysplasia 12. Also called: ARRHYTHMOGENIC RIGHT VENTRICULAR DYSPLASIA, FAMILIAL, 12. Identifiers: MedGen C1969081, MONDO:0012684, OMIM 611528.

Allele frequency attached by ClinVar (database versions not stated): gnomAD exomes below 0.00001 and 0.00001; ExAC 0.00002; TOPMed 0.00002; gnomAD 0.00003.
gnomAD v4.1: 11 of 1,613,926 alleles (0.00068%); highest among the groups gnomAD compares: Admixed American, 0.0083%; no homozygotes.

Submission:

Labcorp Genetics (formerly Invitae), Labcorp
Classification: Uncertain significance for Arrhythmogenic right ventricular dysplasia 12; Naxos disease. Last evaluated: 2022-03-18. Review status: criteria provided, single submitter. Criteria: Invitae Variant Classification Sherloc (09022015). Collection method: clinical testing. Allele origin: germline.
Comment: This sequence change replaces threonine, which is neutral and polar, with methionine, which is neutral and non-polar, at codon 412 of the JUP protein (p.Thr412Met). This variant is present in population databases (rs782551865, gnomAD 0.006%). This variant has not been reported in the literature in individuals affected with JUP-related conditions. Algorithms developed to predict the effect of missense changes on protein structure and function are either unavailable or do not agree on the potential impact of this missense change (SIFT: "Tolerated"; PolyPhen-2: "Probably Damaging"; Align-GVGD: "Class C0"). In summary, the available evidence is currently insufficient to determine the role of this variant in disease. Therefore, it has been classified as a Variant of Uncertain Significance.

NM_002230.4(JUP):c.1235C>T (p.Thr412Met)

Gene: JUP (junction plakoglobin; minus strand). Cytogenetic location: 17q21.2.
Variant type: single nucleotide variant.
Coding change: c.1235C>T on transcript NM_002230.4 (MANE Select); coding-DNA position 1235, C replaced by T.
Protein change: p.Thr412Met; replaces threonine 412 with methionine.
Molecular consequence: missense variant.
Genome position (GRCh38, 1-based): chr17:41,763,245, G>A on the plus strand (C>T on the coding strand, the complement: JUP is on the minus strand). VCF-style: chr17-41763245-G-A. GRCh37 (hg19) VCF-style: chr17-39919497-G-A.
Other names: c.1235C>T, p.Thr412Met (NM_001352773.2, NM_001352774.2, NM_001352775.2 and 3 more transcripts); short protein forms T412M.
Identifiers: ClinVar variation 1370484 (VCV001370484.6), dbSNP rs782551865, ClinGen allele CA8565249.